The following is an entry in ClinVar:

ClinVar aggregate classification (germline): Conflicting classifications of pathogenicity. Review status: criteria provided, conflicting classifications (1 of 4 stars). 10 submissions from 10 submitters: Uncertain significance (6); Likely benign (3). 1 of the submissions does not count toward it. Last evaluated 2026-01-19.

Conditions:
CTC1-related disorder. Also called: CTC1-related condition.
Inborn genetic diseases. Identifiers: MedGen C0950123, MeSH D030342.
Dyskeratosis congenita. Identifiers: Orphanet 1775, MedGen C0265965, MONDO:0015780.
Cerebroretinal microangiopathy with calcifications and cysts 1 (CRMCC1). Identifiers: Orphanet 313838, MedGen C4552029, MONDO:0024564, OMIM 612199.

Allele frequency attached by ClinVar (database versions not stated): TOPMed 0.00034; ExAC 0.00043; gnomAD exomes 0.00043; gnomAD 0.00048; ESP Exome Variant Server 0.00050.
gnomAD v4.1: 956 of 1,548,548 alleles (0.062%); highest among the groups gnomAD compares: Non-Finnish European, 0.069%; no homozygotes.

Submissions (10):

Labcorp Genetics (formerly Invitae), Labcorp
Classification: Likely benign for Dyskeratosis congenita. Last evaluated: 2026-01-19. Review status: criteria provided, single submitter. Criteria: Invitae Variant Classification Sherloc (09022015). Collection method: clinical testing. Allele origin: germline.

Blueprint Genetics
Classification: Likely benign. Last evaluated: 2024-11-06. Review status: criteria provided, single submitter. Criteria: ACMG Guidelines, 2015. Collection method: clinical testing. Allele origin: germline.

Mayo Clinic Laboratories, Mayo Clinic
Classification: Uncertain significance. Last evaluated: 2024-10-29. Review status: criteria provided, single submitter. Criteria: ACMG Guidelines, 2015. Collection method: clinical testing. Allele origin: germline. Observed: 2 variant alleles.

GeneDx
Classification: Uncertain significance. Last evaluated: 2024-05-07. Review status: criteria provided, single submitter. Criteria: GeneDx Variant Classification Process June 2021. Collection method: clinical testing. Allele origin: germline. Affected: yes.
Comment: In silico analysis indicates that this missense variant does not alter protein structure/function; Has not been previously published as pathogenic or benign to our knowledge

Ambry Genetics
Classification: Likely benign for Inborn genetic diseases. Last evaluated: 2022-02-25. Review status: criteria provided, single submitter. Criteria: Ambry Variant Classification Scheme 2023. Collection method: clinical testing. Allele origin: germline.

Fulgent Genetics
Classification: Uncertain significance for Cerebroretinal microangiopathy with calcifications and cysts 1. Last evaluated: 2021-09-29. Review status: criteria provided, single submitter. Criteria: ACMG Guidelines, 2015. Collection method: clinical testing. Allele origin: unknown.

Genome-Nilou Lab
Classification: Uncertain significance for Cerebroretinal microangiopathy with calcifications and cysts 1. Last evaluated: 2021-07-15. Review status: criteria provided, single submitter. Criteria: ACMG Guidelines, 2015. Collection method: clinical testing. Allele origin: germline. Affected: no.

Illumina Laboratory Services, Illumina
Classification: Uncertain significance for Dyskeratosis congenita. Last evaluated: 2018-01-12. Review status: criteria provided, single submitter. Criteria: ICSL Variant Classification Criteria 13 December 2019. Collection method: clinical testing. Allele origin: germline.

Genetic Services Laboratory, University of Chicago
Classification: Uncertain significance. Last evaluated: 2015-05-04. Review status: criteria provided, single submitter. Criteria: ACMG Guidelines, 2015. Collection method: clinical testing. Allele origin: germline.

PreventionGenetics, part of Exact Sciences
Classification: Likely benign for CTC1-related condition. Last evaluated: 2023-05-25. Review status: no assertion criteria provided. Collection method: clinical testing. Allele origin: germline. Not counted in ClinVar's aggregate classification.
Comment: This variant is classified as likely benign based on ACMG/AMP sequence variant interpretation guidelines (Richards et al. 2015 PMID: 25741868, with internal and published modifications).

NM_025099.6(CTC1):c.2192G>A (p.Arg731Gln)

Gene: CTC1 (CST telomere replication complex component 1; minus strand). Cytogenetic location: 17p13.1.
Variant type: single nucleotide variant.
Coding change: c.2192G>A on transcript NM_025099.6 (MANE Select); coding-DNA position 2192, G replaced by A.
Protein change: p.Arg731Gln; replaces arginine 731 with glutamine.
Molecular consequence: missense variant. On other transcripts: non-coding transcript variant (1).
Genome position (GRCh38, 1-based): chr17:8,232,096, C>T on the plus strand (G>A on the coding strand, the complement: CTC1 is on the minus strand). VCF-style: chr17-8232096-C-T. GRCh37 (hg19) VCF-style: chr17-8135414-C-T.
Other names: short protein forms R731Q.
Identifiers: ClinVar variation 210794 (VCV000210794.34), dbSNP rs201891953, ClinGen allele CA208071.